The following is an entry in ClinVar:

ClinVar aggregate classification (germline): Uncertain significance (1 of 4 stars; one submission).

Conditions:
Developmental and epileptic encephalopathy, 11 (DEE11). Also called: Early infantile epileptic encephalopathy 11. Identifiers: Orphanet 1934, MedGen C3150987, MONDO:0013388, OMIM 613721.
Seizures, benign familial infantile, 3 (BFIS3). Also called: CONVULSIONS, BENIGN FAMILIAL INFANTILE, 3; Familial neonatal seizures. Identifiers: Orphanet 140927, Orphanet 306, MedGen C1843140, MONDO:0011904, OMIM 607745.

gnomAD v4.1: 1 of 1,613,602 alleles (0.000062%); highest among the groups gnomAD compares: Admixed American, 0.0017%; no homozygotes.

Submission:

Labcorp Genetics (formerly Invitae), Labcorp
Classification: Uncertain significance for Seizures, benign familial infantile, 3; Developmental and epileptic encephalopathy, 11. Last evaluated: 2025-11-24. Review status: criteria provided, single submitter. Criteria: Invitae Variant Classification Sherloc (09022015). Collection method: clinical testing. Allele origin: germline.
Comment: This sequence change affects codon 223 of the SCN2A mRNA. It is a 'silent' change, meaning that it does not change the encoded amino acid sequence of the SCN2A protein. This variant is not present in population databases (gnomAD no frequency). This variant has not been reported in the literature in individuals affected with SCN2A-related conditions. Algorithms developed to predict the effect of sequence changes on RNA splicing suggest that this variant may disrupt the consensus splice site. In summary, the available evidence is currently insufficient to determine the role of this variant in disease. Therefore, it has been classified as a Variant of Uncertain Significance.

NM_001040142.2(SCN2A):c.667C>A (p.Arg223=)

Gene: SCN2A (sodium voltage-gated channel alpha subunit 2; plus strand). Cytogenetic location: 2q24.3.
Variant type: single nucleotide variant.
Coding change: c.667C>A on transcript NM_001040142.2 (MANE Select); coding-DNA position 667, C replaced by A.
Protein change: p.Arg223=; no amino-acid change (arginine 223 retained).
Molecular consequence: synonymous variant. On other transcripts: intron variant (2).
Genome position (GRCh38, 1-based): chr2:165,309,413, C>A. VCF-style: chr2-165309413-C-A. GRCh37 (hg19) VCF-style: chr2-166165923-C-A.
Other names: c.667C>A, p.Arg223= (NM_001371247.1, NM_021007.3); c.697+157C>A (NM_001040143.2, NM_001371246.1).
Identifiers: ClinVar variation 4782767 (VCV004782767.1).